The following is an entry in ClinVar:

ClinVar aggregate classification (germline): Pathogenic (1 of 4 stars; one submission).

Allele frequency attached by ClinVar (database versions not stated): gnomAD exomes below 0.00001.

Submission:

Labcorp Genetics (formerly Invitae), Labcorp
Classification: Pathogenic. Last evaluated: 2021-09-14. Review status: criteria provided, single submitter. Criteria: Invitae Variant Classification Sherloc (09022015). Collection method: clinical testing. Allele origin: germline.
Comment: For these reasons, this variant has been classified as Pathogenic. This sequence change creates a premature translational stop signal (p.Ala884Aspfs*13) in the PCDH15 gene. It is expected to result in an absent or disrupted protein product. Loss-of-function variants in PCDH15 are known to be pathogenic (PMID: 11398101, 11487575, 14570705). This variant is not present in population databases (ExAC no frequency). This variant has not been reported in the literature in individuals affected with PCDH15-related conditions.

Literature cited by the submitters: PubMed 11398101; PubMed 11487575; PubMed 14570705.

NM_001384140.1(PCDH15):c.2651del (p.Ala884fs)

Gene: PCDH15 (protocadherin related 15; minus strand). Cytogenetic location: 10q21.1.
Variant type: Deletion.
Coding change: c.2651del on transcript NM_001384140.1 (MANE Select); coding-DNA position 2651, one base deleted (C; older notation c.2651delC).
Protein change: p.Ala884fs; shifts the reading frame from alanine 884.
Molecular consequence: frameshift variant.
Genome position (GRCh38, 1-based): chr10:54,020,292, G deleted on the plus strand (C on the coding strand, the reverse complement: PCDH15 is on the minus strand). VCF-style (leftmost placement, unchanged base first): chr10-54020291-TG-T. GRCh37 (hg19) VCF-style: chr10-55780051-TG-T.
Other names: c.2666del, p.Ala889fs (NM_001142763.2, NM_001142771.2); c.2651del, p.Ala884fs (NM_001142764.2, NM_001142766.2, NM_001142770.3 and 5 more transcripts); c.2438del, p.Ala813fs (NM_001142765.2); c.2540del, p.Ala847fs (NM_001142767.2); c.2585del, p.Ala862fs (NM_001142768.2, NM_001142773.2, NM_001354404.2); c.2687delC, p.Ala896Aspfs (NM_001142769.4); c.2672del, p.Ala891fs (NM_001354411.2); short protein forms A862fs, A847fs, A884fs, A813fs, A891fs, A896fs, A889fs.
Identifiers: ClinVar variation 1395619 (VCV001395619.6), dbSNP rs2135283149, ClinGen allele CA2573145130.